The following is an entry in ClinVar:

ClinVar aggregate classification (germline): Uncertain significance. Review status: criteria provided, multiple submitters, no conflicts (2 of 4 stars). 2 submissions from 2 submitters: Uncertain significance (2). Last evaluated 2026-09-16.

Conditions:
BBS1-related disorder. Also called: BBS1-related condition.
Bardet-Biedl syndrome (BBS). Identifiers: Orphanet 110, MedGen C0752166, MONDO:0015229.

Allele frequency attached by ClinVar (database versions not stated): ExAC 0.00002; gnomAD 0.00003; ESP Exome Variant Server 0.00008.
gnomAD v4.1: 23 of 1,613,952 alleles (0.0014%); highest among the groups gnomAD compares: East Asian, 0.0067%; no homozygotes.

Submissions (2):

PreventionGenetics, part of Exact Sciences
Classification: Uncertain significance for BBS1-related condition. Last evaluated: 2026-09-16. Review status: criteria provided, single submitter. Criteria: ACMG Guidelines, 2015. Collection method: clinical testing. Allele origin: germline.
Comment: The BBS1 c.586C>T variant is predicted to result in the amino acid substitution p.Arg196Trp. To our knowledge, this variant has not been reported in the literature. This variant is reported in 0.0062% of alleles in individuals of African descent in gnomAD. At this time, the clinical significance of this variant is uncertain due to the absence of conclusive functional and genetic evidence.

Labcorp Genetics (formerly Invitae), Labcorp
Classification: Uncertain significance for Bardet-Biedl syndrome. Last evaluated: 2024-10-21. Review status: criteria provided, single submitter. Criteria: Invitae Variant Classification Sherloc (09022015). Collection method: clinical testing. Allele origin: germline.
Comment: This sequence change replaces arginine, which is basic and polar, with tryptophan, which is neutral and slightly polar, at codon 196 of the BBS1 protein (p.Arg196Trp). This variant is present in population databases (rs377159794, gnomAD 0.007%). This variant has not been reported in the literature in individuals affected with BBS1-related conditions. ClinVar contains an entry for this variant (Variation ID: 2156546). Invitae Evidence Modeling of protein sequence and biophysical properties (such as structural, functional, and spatial information, amino acid conservation, physicochemical variation, residue mobility, and thermodynamic stability) has been performed for this missense variant. However, the output from this modeling did not meet the statistical confidence thresholds required to predict the impact of this variant on BBS1 protein function. In summary, the available evidence is currently insufficient to determine the role of this variant in disease. Therefore, it has been classified as a Variant of Uncertain Significance.

NM_024649.5(BBS1):c.586C>T (p.Arg196Trp)

Gene: BBS1 (Bardet-Biedl syndrome 1; plus strand). Cytogenetic location: 11q13.2.
Variant type: single nucleotide variant.
Coding change: c.586C>T on transcript NM_024649.5 (MANE Select); coding-DNA position 586, C replaced by T.
Protein change: p.Arg196Trp; replaces arginine 196 with tryptophan.
Molecular consequence: missense variant.
Genome position (GRCh38, 1-based): chr11:66,515,928, C>T. VCF-style: chr11-66515928-C-T. GRCh37 (hg19) VCF-style: chr11-66283399-C-T.
Other names: c.586C>T (NM_024649.4); short protein forms R196W.
Identifiers: ClinVar variation 2156546 (VCV002156546.5), dbSNP rs377159794, ClinGen allele CA6123407.
Genomic context (GRCh38, chr11:66,515,928, plus strand): 5'-CAGCTGGAGCTAAGTGAAATGGAGGCATTTGTAAACCAACACAAGTCCAACTCCATCAAG[C>T]GGCAGGTAATACCCCCTTCTCTTTTTATTTCCCTGTAAAAAAATTTACATTTTTTTAAAA-3'
Protein context (NP_078925.3, residues 186-206): VNQHKSNSIK[Arg196Trp]QTVITTMTTL